The following is an entry in ClinVar:

NM_001170629.2(CHD8):c.5179G>T (p.Glu1727Ter)

Gene: CHD8 (chromodomain helicase DNA binding protein 8; minus strand). Cytogenetic location: 14q11.2.
Variant type: single nucleotide variant.
Coding change: c.5179G>T on transcript NM_001170629.2 (MANE Select); coding-DNA position 5179, G replaced by T.
Protein change: p.Glu1727Ter; replaces glutamic acid 1727 with a stop codon.
Molecular consequence: nonsense.
Genome position (GRCh38, 1-based): chr14:21,395,301, C>A on the plus strand (G>T on the coding strand, the complement: CHD8 is on the minus strand). VCF-style: chr14-21395301-C-A. GRCh37 (hg19) VCF-style: chr14-21863460-C-A.
Other names: c.4342G>T, p.Glu1448Ter (NM_020920.4); short protein forms E1448*, E1727*.
Identifiers: ClinVar variation 2635096 (VCV002635096.1), dbSNP rs1555313658, ClinGen allele CA388884377.
Genomic context (GRCh38, chr14:21,395,301, plus strand): 5'-ATAATTCCCCAACCCACCACCCCACACAGAATTATACTAGTTGACCTAGAAGTTTACCTT[C>A]ATCTCCATCAATCACTGAGATCTCCTCATCCATCATCATCAAGGGATCACCCTAGAGAAG-3'

ClinVar aggregate classification (germline): Pathogenic (1 of 4 stars; one submission).

Conditions:
CHD8-related disorder. Also called: CHD8-related condition; CHD8-related disorders.

Submission:

PreventionGenetics, part of Exact Sciences
Classification: Pathogenic for CHD8-related condition. Last evaluated: 2022-11-11. Review status: criteria provided, single submitter. Criteria: ACMG Guidelines, 2015. Collection method: clinical testing. Allele origin: germline.
Comment: The CHD8 c.5179G>T variant is predicted to result in premature protein termination (p.Glu1727*). This variant was reported in one individual with autism symptoms (Table S2, reported as de novo, Beighley et al 2020. PubMed ID: 31526516), in one individual with neurodevelopmental disorder (reported as 14:21863460:C:A:hg19:XM_005267923.1:c.5203G>T in supplementary dataset 5, Wang et al 2020. PubMed ID: 33004838), and in another patient with sleep defects (reported as de novo c.4342G>T, p.Glu1448Ter in Table S2, Coll-Tané et al 2021. PubMed ID: 34088660). This variant has not been reported in a large population database, indicating this variant is rare. Nonsense variants in CHD8 are expected to be pathogenic. This variant is interpreted as pathogenic.